The following is an entry in ClinVar:

NM_001354604.2(MITF):c.990C>T (p.Arg330=)

Gene: MITF (melanocyte inducing transcription factor; plus strand). Cytogenetic location: 3p13.
Variant type: single nucleotide variant.
Coding change: c.990C>T on transcript NM_001354604.2 (MANE Select); coding-DNA position 990, C replaced by T.
Protein change: p.Arg330=; no amino-acid change (arginine 330 retained).
Molecular consequence: synonymous variant.
Genome position (GRCh38, 1-based): chr3:69,956,489, C>T. VCF-style: chr3-69956489-C-T. GRCh37 (hg19) VCF-style: chr3-70005640-C-T.
Other names: c.669C>T, p.Arg223= (NM_000248.4); c.816C>T, p.Arg272= (NM_001184967.2, NM_001354608.2); c.987C>T, p.Arg329= (NM_001354605.2); c.969C>T, p.Arg323= (NM_001354606.2, NM_006722.3); c.921C>T, p.Arg307= (NM_001354607.2); c.651C>T, p.Arg217= (NM_198158.3); c.972C>T, p.Arg324= (NM_198159.3); c.924C>T, p.Arg308= (NM_198177.3); and 1 more.
Identifiers: ClinVar variation 805007 (VCV000805007.45), dbSNP rs147883651, ClinGen allele CA77002597.

ClinVar aggregate classification (germline): Conflicting classifications of pathogenicity. Review status: criteria provided, conflicting classifications (1 of 4 stars). 7 submissions from 6 submitters: Uncertain significance (2); Likely benign (5). Last evaluated 2025-12-31.

Conditions:
Hereditary cancer-predisposing syndrome. Also called: Tumor predisposition; Neoplastic Syndromes, Hereditary; Hereditary Cancer Syndrome; Hereditary neoplastic syndrome. Identifiers: Orphanet 140162, MedGen C0027672, MeSH D009386, MONDO:0015356.
Melanoma, cutaneous malignant, susceptibility to, 8. Also called: MELANOMA AND RENAL CELL CARCINOMA, SUSCEPTIBILITY TO; Cutaneous malignant melanoma 8. Identifiers: Orphanet 293822, MedGen C3152204, MONDO:0013759, OMIM 614456.
Tietz syndrome (TADS). Also called: TIETZ ALBINISM-DEAFNESS SYNDROME; HYPOPIGMENTATION/DEAFNESS OF TIETZ; ALBINISM-DEAFNESS OF TIETZ. Identifiers: Orphanet 42665, MedGen C0391816, MONDO:0007077, OMIM 103500.
Waardenburg syndrome type 2A (WS2A). Also called: WAARDENBURG SYNDROME WITHOUT DYSTOPIA CANTHORUM. Identifiers: Orphanet 3440, MedGen C1860339, MONDO:0008671, OMIM 193510.

Allele frequency attached by ClinVar (database versions not stated): gnomAD exomes 0.00002 and 0.00003; gnomAD 0.00004 and 0.00005; TOPMed 0.00005; ESP Exome Variant Server 0.00008.
gnomAD v4.1: 57 of 1,613,708 alleles (0.0035%); highest among the groups gnomAD compares: Admixed American, 0.005%; no homozygotes.

Submissions (7):

Labcorp Genetics (formerly Invitae), Labcorp
Classification: Likely benign for Melanoma, cutaneous malignant, susceptibility to, 8; Waardenburg syndrome type 2A; Tietz syndrome. Last evaluated: 2025-12-31. Review status: criteria provided, single submitter. Criteria: Invitae Variant Classification Sherloc (09022015). Collection method: clinical testing. Allele origin: germline.

Ambry Genetics
Classification: Likely benign for Hereditary cancer-predisposing syndrome. Last evaluated: 2024-11-28. Review status: criteria provided, single submitter. Criteria: Ambry Variant Classification Scheme 2023. Collection method: clinical testing. Allele origin: germline.

CeGaT Center for Human Genetics Tuebingen
Classification: Likely benign. Last evaluated: 2024-08-01. Review status: criteria provided, single submitter. Criteria: CeGaT Center For Human Genetics Tuebingen Variant Classification Criteria Version 2. Collection method: clinical testing. Allele origin: germline. Affected: yes. Observed: 2 variant alleles.
Comment: MITF: BP4, BP7

GeneDx
Classification: Likely benign. Last evaluated: 2021-01-12. Review status: criteria provided, single submitter. Criteria: GeneDx Variant Classification Process June 2021. Collection method: clinical testing. Allele origin: germline. Affected: yes.

Athena Diagnostics
Classification: Likely benign. Last evaluated: 2018-09-20. Review status: criteria provided, single submitter. Criteria: Athena Diagnostics Criteria. Collection method: clinical testing. Allele origin: germline.

Illumina Laboratory Services, Illumina
Classification: Uncertain significance for Tietz syndrome. Last evaluated: 2018-01-13. Review status: criteria provided, single submitter. Criteria: ICSL Variant Classification Criteria 13 December 2019. Collection method: clinical testing. Allele origin: germline.

Illumina Laboratory Services, Illumina
Classification: Uncertain significance for Waardenburg syndrome type 2A. Last evaluated: 2018-01-13. Review status: criteria provided, single submitter. Criteria: ICSL Variant Classification Criteria 13 December 2019. Collection method: clinical testing. Allele origin: germline.